The following is an entry in ClinVar:

ClinVar aggregate classification (germline): Benign/Likely benign. Review status: criteria provided, multiple submitters, no conflicts (2 of 4 stars). 2 submissions from 2 submitters: Benign (1); Likely benign (1). Last evaluated 2026-07-13.

Conditions:
Rhabdoid tumor predisposition syndrome 2 (RTPS2). Identifiers: Orphanet 231108, Orphanet 69077, MedGen C2750074, MONDO:0013224, OMIM 613325.

Allele frequency attached by ClinVar (database versions not stated): gnomAD 0.00001; TOPMed below 0.00001.
gnomAD v4.1: 1 of 1,613,512 alleles (0.000062%); highest among the groups gnomAD compares: African/African-American, 0.0013%; no homozygotes.

Submissions (2):

Myriad Genetics, Inc.
Classification: Benign for Rhabdoid tumor predisposition syndrome 2. Last evaluated: 2026-07-13. Review status: criteria provided, single submitter. Criteria: Myriad Autosomal Dominant, Autosomal Recessive and X-Linked Classification Criteria (2023). Collection method: clinical testing. Allele origin: unknown.
Comment: This variant is considered benign. This variant is a silent/synonymous amino acid change and it is not expected to impact splicing.

Labcorp Genetics (formerly Invitae), Labcorp
Classification: Likely benign for Rhabdoid tumor predisposition syndrome 2. Last evaluated: 2024-11-04. Review status: criteria provided, single submitter. Criteria: Invitae Variant Classification Sherloc (09022015). Collection method: clinical testing. Allele origin: germline.

NM_003072.5(SMARCA4):c.2553G>A (p.Gly851=)

Gene: SMARCA4 (SWI/SNF related BAF chromatin remodeling complex subunit ATPase 4; plus strand). Cytogenetic location: 19p13.2.
Variant type: single nucleotide variant.
Coding change: c.2553G>A on transcript NM_003072.5 (MANE Select); coding-DNA position 2553, G replaced by A.
Protein change: p.Gly851=; no amino-acid change (glycine 851 retained).
Molecular consequence: synonymous variant. On other transcripts: non-coding transcript variant (1).
Genome position (GRCh38, 1-based): chr19:11,019,638, G>A. VCF-style: chr19-11019638-G-A. GRCh37 (hg19) VCF-style: chr19-11130314-G-A.
Other names: c.2553G>A, p.Gly851= (NM_001128844.3, NM_001128845.2, NM_001128846.2 and 6 more transcripts).
Identifiers: ClinVar variation 2738792 (VCV002738792.4), dbSNP rs1167535267, ClinGen allele CA505490246.